The following is an entry in ClinVar:

ClinVar aggregate classification (germline): Uncertain significance (1 of 4 stars; one submission).

Conditions:
Familial hemophagocytic lymphohistiocytosis 2 (FHL2). Also called: PRF1-Related Familial Hemophagocytic Lymphohistiocytosis (PRF1-fHLH). Identifiers: Orphanet 540, MedGen C1863727, MONDO:0011337, OMIM 603553.

Submission:

Labcorp Genetics (formerly Invitae), Labcorp
Classification: Uncertain significance for Familial hemophagocytic lymphohistiocytosis 2. Last evaluated: 2024-02-24. Review status: criteria provided, single submitter. Criteria: Invitae Variant Classification Sherloc (09022015). Collection method: clinical testing. Allele origin: germline.
Comment: This sequence change replaces histidine, which is basic and polar, with aspartic acid, which is acidic and polar, at codon 514 of the PRF1 protein (p.His514Asp). This variant is not present in population databases (gnomAD no frequency). This variant has not been reported in the literature in individuals affected with PRF1-related conditions. ClinVar contains an entry for this variant (Variation ID: 1713577). Advanced modeling of protein sequence and biophysical properties (such as structural, functional, and spatial information, amino acid conservation, physicochemical variation, residue mobility, and thermodynamic stability) has been performed at Invitae for this missense variant, however the output from this modeling did not meet the statistical confidence thresholds required to predict the impact of this variant on PRF1 protein function. In summary, the available evidence is currently insufficient to determine the role of this variant in disease. Therefore, it has been classified as a Variant of Uncertain Significance.

NM_001083116.3(PRF1):c.1540C>G (p.His514Asp)

Gene: PRF1 (perforin 1; minus strand). Cytogenetic location: 10q22.1.
Variant type: single nucleotide variant.
Coding change: c.1540C>G on transcript NM_001083116.3 (MANE Select); coding-DNA position 1540, C replaced by G.
Protein change: p.His514Asp; replaces histidine 514 with aspartic acid.
Molecular consequence: missense variant.
Genome position (GRCh38, 1-based): chr10:70,598,181, G>C on the plus strand (C>G on the coding strand, the complement: PRF1 is on the minus strand). VCF-style: chr10-70598181-G-C. GRCh37 (hg19) VCF-style: chr10-72357937-G-C.
Other names: c.1540C>G, p.His514Asp (NM_005041.6); short protein forms H514D.
Identifiers: ClinVar variation 1713577 (VCV001713577.5), dbSNP rs2493481983, ClinGen allele CA376955160.
Genomic context (GRCh38, chr10:70,598,181, plus strand): 5'-AGGTGCCTCCTCCCAGGTGGGGCAAGCACCTGGCATGATAGCGGAATTTTAGGTGGCCAT[G>C]ATTCAGGTTGCATCTCACCTCATGGGAACCAGACTTGGGAGCCTGATCACAGGTGCCAAG-3'
Protein context (NP_001076585.1, residues 504-524): GSHEVRCNLN[His514Asp]GHLKFRYHAR